The following is an entry in ClinVar:

NM_001267550.2(TTN):c.59395A>G (p.Lys19799Glu)

Genes: TTN (titin; minus strand), TTN-AS1 (TTN antisense RNA 1; plus strand), LOC126806424 (CDK7 strongly-dependent group 2 enhancer GRCh37_chr2:179456337-179457536; plus strand). Cytogenetic location: 2q31.2.
Variant type: single nucleotide variant.
Coding change: c.59395A>G on transcript NM_001267550.2 (MANE Select); coding-DNA position 59395, A replaced by G.
Protein change: p.Lys19799Glu; replaces lysine 19799 with glutamic acid.
Molecular consequence: missense variant.
Genome position (GRCh38, 1-based): chr2:178,592,610, T>C on the plus strand (A>G on the coding strand, the complement: TTN is on the minus strand). VCF-style: chr2-178592610-T-C. GRCh37 (hg19) VCF-style: chr2-179457337-T-C.
Other names: c.54472A>G, p.Lys18158Glu (NM_001256850.1); c.32200A>G, p.Lys10734Glu (NM_003319.4); c.51691A>G, p.Lys17231Glu (NM_133378.4); c.32575A>G, p.Lys10859Glu (NM_133432.3); c.32776A>G, p.Lys10926Glu (NM_133437.4); short protein forms K10926E, K17231E, K18158E, K19799E, K10734E, K10859E.
Identifiers: ClinVar variation 4853596 (VCV004853596.1).

ClinVar aggregate classification (germline): Uncertain significance (1 of 4 stars; one submission).

Submission:

Women's Health and Genetics/Laboratory Corporation of America, LabCorp
Classification: Uncertain significance. Last evaluated: 2026-05-04. Review status: criteria provided, single submitter. Criteria: LabCorp Variant Classification Summary - May 2015. Collection method: clinical testing. Allele origin: germline.
Comment: Variant summary: TTN c.51691A>G (p.Lys17231Glu) results in a conservative amino acid change in the encoded protein sequence. Algorithms developed to predict the effect of missense changes on protein structure and function all suggest that this variant is likely to be tolerated. The variant was absent in 248080 control chromosomes. The available data on variant occurrences in the general population are insufficient to allow any conclusion about variant significance. To our knowledge, no occurrence of c.51691A>G in individuals affected with TTN-related conditions and no experimental evidence demonstrating its impact on protein function have been reported. No submitters have cited clinical-significance assessments for this variant to ClinVar. Based on the evidence outlined above, the variant was classified as uncertain significance.